The following is an entry in ClinVar:

NM_001110556.2(FLNA):c.1932_1938del (p.Val645fs)

Gene: FLNA (filamin A; minus strand). Cytogenetic location: Xq28.
Variant type: Deletion.
Coding change: c.1932_1938del on transcript NM_001110556.2 (MANE Select); coding-DNA positions 1932 to 1938, 7 bases deleted (CGTTCAC; older notation c.1932_1938delCGTTCAC).
Protein change: p.Val645fs; shifts the reading frame from valine 645.
Molecular consequence: frameshift variant.
Genome position (GRCh38, 1-based): chrX:154,364,610-154,364,616, GTGAACG deleted on the plus strand (CGTTCAC on the coding strand, the reverse complement: FLNA is on the minus strand); deleting any 7 consecutive bases within chrX:154,364,610-154,364,617 gives the same sequence; the c. name uses the placement nearest the transcript's 3' end. VCF-style (leftmost placement, unchanged base first): chrX-154364609-CGTGAACG-C. GRCh37 (hg19) VCF-style: chrX-153592977-CGTGAACG-C.
Other names: c.1932_1938del, p.Val645fs (NM_001456.4); short protein forms V645fs.
Identifiers: ClinVar variation 940733 (VCV000940733.8), dbSNP rs2067741257, ClinGen allele CA1139667914.

ClinVar aggregate classification (germline): Pathogenic (1 of 4 stars; one submission).

Conditions:
Frontometaphyseal dysplasia (FMD1). Identifiers: Orphanet 1826, MedGen C0265293, MONDO:0015942.
Heterotopia, periventricular, X-linked dominant (PVNH1). Also called: PERIVENTRICULAR NODULAR HETEROTOPIA 1; X-linked periventricular heterotopia; PERIVENTRICULAR NODULAR HETEROTOPIA 4; HETEROTOPIA, PERIVENTRICULAR, 1. Identifiers: Orphanet 2149, Orphanet 82004, MedGen C1848213, MONDO:0010233, OMIM 300049.
Melnick-Needles syndrome (MNS). Also called: MELNICK-NEEDLES OSTEODYSPLASTY; OSTEODYSPLASTY OF MELNICK AND NEEDLES; Melnick-Needles Syndrome (FLNA-MNS). Identifiers: Orphanet 2484, MedGen C0025237, MONDO:0010650, OMIM 309350.
Oto-palato-digital syndrome, type II (OPD2). Also called: OPD II SYNDROME; FACIOPALATOOSSEOUS SYNDROME; Otopalatodigital Syndrome Type 2 (FLNA-OPD2); Otopalatodigital Syndrome, Type II. Identifiers: Orphanet 669, Orphanet 90652, MedGen C1844696, MONDO:0010571, OMIM 304120.

Submission:

Labcorp Genetics (formerly Invitae), Labcorp
Classification: Pathogenic for Oto-palato-digital syndrome, type II; Heterotopia, periventricular, X-linked dominant; Frontometaphyseal dysplasia; Melnick-Needles syndrome. Last evaluated: 2019-10-12. Review status: criteria provided, single submitter. Criteria: Invitae Variant Classification Sherloc (09022015). Collection method: clinical testing. Allele origin: germline.
Comment: This sequence change creates a premature translational stop signal (p.Val645Cysfs*29) in the FLNA gene. It is expected to result in an absent or disrupted protein product. This variant is not present in population databases (ExAC no frequency). This variant has not been reported in the literature in individuals with FLNA-related conditions. Loss-of-function variants in FLNA are known to be pathogenic (PMID: 16684786, 20730588, 26471271). For these reasons, this variant has been classified as Pathogenic.

Literature cited by the submitters: PubMed 16684786; PubMed 20730588; PubMed 26471271.